The following is an entry in ClinVar:

ClinVar aggregate classification (germline): Uncertain significance (1 of 4 stars; one submission).

Submission:

Labcorp Genetics (formerly Invitae), Labcorp
Classification: Uncertain significance. Last evaluated: 2023-12-12. Review status: criteria provided, single submitter. Criteria: Invitae Variant Classification Sherloc (09022015). Collection method: clinical testing. Allele origin: germline.
Comment: This sequence change replaces serine, which is neutral and polar, with threonine, which is neutral and polar, at codon 183 of the CDK13 protein (p.Ser183Thr). This variant is not present in population databases (gnomAD no frequency). This variant has not been reported in the literature in individuals affected with CDK13-related conditions. Advanced modeling of protein sequence and biophysical properties (such as structural, functional, and spatial information, amino acid conservation, physicochemical variation, residue mobility, and thermodynamic stability) performed at Invitae indicates that this missense variant is not expected to disrupt CDK13 protein function with a negative predictive value of 95%. In summary, the available evidence is currently insufficient to determine the role of this variant in disease. Therefore, it has been classified as a Variant of Uncertain Significance.

NM_003718.5(CDK13):c.547T>A (p.Ser183Thr)

Gene: CDK13 (cyclin dependent kinase 13; plus strand). Cytogenetic location: 7p14.1.
Variant type: single nucleotide variant.
Coding change: c.547T>A on transcript NM_003718.5 (MANE Select); coding-DNA position 547, T replaced by A.
Protein change: p.Ser183Thr; replaces serine 183 with threonine.
Molecular consequence: missense variant.
Genome position (GRCh38, 1-based): chr7:39,951,188, T>A. VCF-style: chr7-39951188-T-A. GRCh37 (hg19) VCF-style: chr7-39990787-T-A.
Other names: c.547T>A, p.Ser183Thr (NM_031267.4); short protein forms S183T.
Identifiers: ClinVar variation 2702482 (VCV002702482.3), dbSNP rs1787169729, ClinGen allele CA367309962.
Genomic context (GRCh38, chr7:39,951,188, plus strand): 5'-AGCGCGGCAACGGCGGCGACGGCTGCCGGGGGAACGGGGGGCAGCGGCGGGAGTCCGGCC[T>A]CCTCCTCCGGCACCCAGCGGCGCGGGGAGGGGTCGGAGCGCAGGCCCCGCCGGGACCGCC-3'
Protein context (NP_003709.3, residues 173-193): GTGGSGGSPA[Ser183Thr]SSGTQRRGEG